The following is an entry in ClinVar:

NM_022089.4(ATP13A2):c.1353_1353+1del

Gene: ATP13A2 (ATPase cation transporting 13A2; minus strand). Cytogenetic location: 1p36.13.
Variant type: Deletion.
Coding change: c.1353_1353+1del on transcript NM_022089.4 (MANE Select); coding-DNA position 1353 through the canonical splice donor site of the intron after coding-DNA position 1353, 2 bases deleted (GG; older notation c.1353_1353+1delGG).
Molecular consequence: splice donor variant.
Genome position (GRCh38, 1-based): chr1:16,996,253-16,996,254, CC deleted on the plus strand (GG on the coding strand, the reverse complement: ATP13A2 is on the minus strand); deleting any 2 consecutive bases within chr1:16,996,253-16,996,255 gives the same sequence; the c. name uses the placement nearest the transcript's 3' end. VCF-style (leftmost placement, unchanged base first): chr1-16996252-ACC-A. GRCh37 (hg19) VCF-style: chr1-17322747-ACC-A.
Other names: c.1338_1338+1del (NM_001141974.3, NM_001141973.3).
Identifiers: ClinVar variation 2943829 (VCV002943829.3), dbSNP rs2523623300, ClinGen allele CA2740090611.

ClinVar aggregate classification (germline): Likely pathogenic (1 of 4 stars; one submission).

Conditions:
Kufor-Rakeb syndrome (KRS). Also called: PARKINSON DISEASE 9, AUTOSOMAL RECESSIVE, JUVENILE-ONSET. Identifiers: Orphanet 306674, Orphanet 314632, MedGen C1847640, MONDO:0011706, OMIM 606693.
Autosomal recessive spastic paraplegia type 78. Identifiers: Orphanet 513436, MedGen C5567893, MONDO:0014975, OMIM 617225.

Submission:

Labcorp Genetics (formerly Invitae), Labcorp
Classification: Likely pathogenic for Kufor-Rakeb syndrome; Autosomal recessive spastic paraplegia type 78. Last evaluated: 2024-07-01. Review status: criteria provided, single submitter. Criteria: Invitae Variant Classification Sherloc (09022015). Collection method: clinical testing. Allele origin: germline.
Comment: This variant results in the deletion of part of exon 14 (c.1353_1353+1del) of the ATP13A2 gene. It is expected to disrupt RNA splicing. Variants that disrupt the donor or acceptor splice site typically lead to a loss of protein function (PMID: 16199547), and loss-of-function variants in ATP13A2 are known to be pathogenic (PMID: 16964263, 21696388). This variant is not present in population databases (gnomAD no frequency). This variant has not been reported in the literature in individuals affected with ATP13A2-related conditions. Algorithms developed to predict the effect of sequence changes on RNA splicing suggest that this variant may disrupt the consensus splice site. In summary, the currently available evidence indicates that the variant is pathogenic, but additional data are needed to prove that conclusively. Therefore, this variant has been classified as Likely Pathogenic.

Literature cited by the submitters: PubMed 16199547; PubMed 16964263; PubMed 21696388.